The following is an entry in ClinVar:

ClinVar aggregate classification (germline): Likely pathogenic (1 of 4 stars; one submission).

Submission:

GeneDx
Classification: Likely pathogenic. Last evaluated: 2020-12-01. Review status: criteria provided, single submitter. Criteria: GeneDx Variant Classification (06012015). Collection method: clinical testing. Allele origin: germline. Affected: yes.

NM_018082.6(POLR3B):c.1385C>G (p.Thr462Arg)

Gene: POLR3B (RNA polymerase III subunit B; plus strand). Cytogenetic location: 12q23.3.
Variant type: single nucleotide variant.
Coding change: c.1385C>G on transcript NM_018082.6 (MANE Select); coding-DNA position 1385, C replaced by G.
Protein change: p.Thr462Arg; replaces threonine 462 with arginine.
Molecular consequence: missense variant.
Genome position (GRCh38, 1-based): chr12:106,430,394, C>G. VCF-style: chr12-106430394-C-G. GRCh37 (hg19) VCF-style: chr12-106824172-C-G.
Other names: c.1211C>G, p.Thr404Arg (NM_001160708.2); short protein forms T404R, T462R.
Identifiers: ClinVar variation 1048511 (VCV001048511.1), dbSNP rs2037492289, ClinGen allele CA386389177.